The following is an entry in ClinVar:

NM_002519.3(NPAT):c.3671G>A (p.Gly1224Asp)

Gene: NPAT (nuclear protein, coactivator of histone transcription; minus strand). Cytogenetic location: 11q22.3.
Variant type: single nucleotide variant.
Coding change: c.3671G>A on transcript NM_002519.3 (MANE Select); coding-DNA position 3671, G replaced by A.
Protein change: p.Gly1224Asp; replaces glycine 1224 with aspartic acid.
Molecular consequence: missense variant.
Genome position (GRCh38, 1-based): chr11:108,161,415, C>T on the plus strand (G>A on the coding strand, the complement: NPAT is on the minus strand). VCF-style: chr11-108161415-C-T. GRCh37 (hg19) VCF-style: chr11-108032142-C-T.
Other names: c.3692G>A, p.Gly1231Asp (NM_001321307.1); short protein forms G1231D, G1224D.
Identifiers: ClinVar variation 1733799 (VCV001733799.2), dbSNP rs201289703, ClinGen allele CA382510301.
Genomic context (GRCh38, chr11:108,161,415, plus strand): 5'-GTGGTAATCAAAGAACTGGCGGATTTAGTTTGTTCTTGTTTTAGATCCTTCACAGCTGTA[C>T]CTACTGAAAGTACATTTTTATTGTTTGAAGATGTGCCTTGTTTTTTGGTCATTTCTTGCA-3'
Protein context (NP_002510.2, residues 1214-1234): SSNNKNVLSV[Gly1224Asp]TAVKDLKQEQ

ClinVar aggregate classification (germline): Uncertain significance (1 of 4 stars; one submission).

Submission:

Ambry Genetics
Classification: Uncertain significance. Last evaluated: 2022-10-12. Review status: criteria provided, single submitter. Criteria: Ambry Variant Classification Scheme 2023. Collection method: clinical testing. Allele origin: germline.
Comment: The p.G1224D variant (also known as c.3671G>A), located in coding exon 17 of the NPAT gene, results from a G to A substitution at nucleotide position 3671. The glycine at codon 1224 is replaced by aspartic acid, an amino acid with similar properties. This amino acid position is conserved. In addition, this alteration is predicted to be tolerated by in silico analysis. Since supporting evidence is limited at this time, the clinical significance of this alteration remains unclear.